The following is an entry in ClinVar:

NM_000051.4(ATM):c.6348-989del

Genes: ATM (ATM serine/threonine kinase; plus strand), C11orf65 (chromosome 11 open reading frame 65; minus strand). Cytogenetic location: 11q22.3.
Variant type: Deletion.
Coding change: c.6348-989del on transcript NM_000051.4 (MANE Select); 989 bases into the intron before coding-DNA position 6348, one base deleted (T; older notation c.6348-989delT).
Molecular consequence: intron variant.
Genome position (GRCh38, 1-based): chr11:108,318,965, T deleted; the last of 2 consecutive T bases (chr11:108,318,964-108,318,965); deleting either gives the same sequence. VCF-style (leftmost placement, unchanged base first): chr11-108318963-GT-G. GRCh37 (hg19) VCF-style: chr11-108189690-GT-G.
Other names: c.6348-989del (NM_001351834.2); c.641-9893del (NM_001330368.2); c.*39-9893del (NM_001351110.2).
Identifiers: ClinVar variation 2121591 (VCV002121591.6), dbSNP rs1479854121, ClinGen allele CA601725338.
Genomic context (GRCh38, chr11:108,318,963, plus strand): 5'-CGGTGGCTCATGCCTATAATCCCAGCACTTTGGAAGGCTGAGGAGGGTGGATCACATGAG[GT>G]TAGGAATTCAAGACAAGCTTGGGCAACATGGTGAAACCCCATCTCTACAAAAAAATACAA-3'

ClinVar aggregate classification (germline): Pathogenic/Likely pathogenic. Review status: criteria provided, multiple submitters, no conflicts (2 of 4 stars). 2 submissions from 2 submitters: Pathogenic (1); Likely pathogenic (1). Last evaluated 2025-01-25.

Conditions:
Ataxia-telangiectasia syndrome (AT). Also called: ATAXIA-TELANGIECTASIA, COMPLEMENTATION GROUP A; ATAXIA-TELANGIECTASIA, FRESNO VARIANT; Ataxia-telangiectasia; Ataxia-telangiectasia, complementation group E; LOUIS-BAR SYNDROME; Cerebello-oculocutaneous telangiectasia. Identifiers: Orphanet 100, MedGen C0004135, MONDO:0008840, OMIM 208900.
Hereditary cancer-predisposing syndrome. Also called: Tumor predisposition; Hereditary Cancer Syndrome; Hereditary neoplastic syndrome; Neoplastic Syndromes, Hereditary. Identifiers: Orphanet 140162, MedGen C0027672, MeSH D009386, MONDO:0015356.

Submissions (2):

Ambry Genetics
Classification: Likely pathogenic for Hereditary cancer-predisposing syndrome. Last evaluated: 2025-01-25. Review status: criteria provided, single submitter. Criteria: Ambry Variant Classification Scheme 2023. Collection method: clinical testing. Allele origin: germline.
Comment: The c.6348-989delT intronic variant, located in intron 42 of the ATM gene, results from a deletion of one nucleotide within intron 42 of the ATM gene. This nucleotide position is not well conserved in available vertebrate species. In silico splice site analysis predicts that this alteration may result in the creation or strengthening of a novel splice donor site. RNA studies have demonstrated that this alteration results in abnormal splicing in the set of samples tested (Ambry internal data). Based on the majority of available evidence to date, this variant is likely to be pathogenic.

Labcorp Genetics (formerly Invitae), Labcorp
Classification: Pathogenic for Ataxia-telangiectasia syndrome. Last evaluated: 2023-05-08. Review status: criteria provided, single submitter. Criteria: Invitae Variant Classification Sherloc (09022015). Collection method: clinical testing. Allele origin: germline.
Comment: This variant is present in population databases (no rsID available, gnomAD 0.007%). This sequence change falls in intron 43 of the ATM gene. It does not directly change the encoded amino acid sequence of the ATM protein. RNA analysis indicates that this variant induces altered splicing and may result in an absent or disrupted protein product. This variant has not been reported in the literature in individuals affected with ATM-related conditions. ClinVar contains an entry for this variant (Variation ID: 2121591). Studies have shown that this variant results in activation of a cryptic splice site and introduces a premature termination codon (Invitae). The resulting mRNA is expected to undergo nonsense-mediated decay. For these reasons, this variant has been classified as Pathogenic.